The following is an entry in ClinVar:

ClinVar aggregate classification (germline): Uncertain significance (1 of 4 stars; one submission).

Conditions:
Hereditary spastic paraplegia 7 (SPG7). Also called: SPASTIC PARAPLEGIA 7, AUTOSOMAL RECESSIVE, WITH OR WITHOUT CEREBELLAR ATAXIA; SPG7-related neurologic disorder; Spastic paraplegia 7; Hereditary spastic paraplegia Paraplegin type; Autosomal recessive spastic paraplegia type 7. Identifiers: Orphanet 99013, MedGen C1846564, MONDO:0011803, OMIM 607259.

gnomAD v4.1: 25 of 1,614,158 alleles (0.0015%); highest among the groups gnomAD compares: Non-Finnish European, 0.0019%; no homozygotes.

Submission:

Labcorp Genetics (formerly Invitae), Labcorp
Classification: Uncertain significance for Hereditary spastic paraplegia 7. Last evaluated: 2025-01-01. Review status: criteria provided, single submitter. Criteria: Invitae Variant Classification Sherloc (09022015). Collection method: clinical testing. Allele origin: germline.
Comment: This sequence change replaces alanine, which is neutral and non-polar, with glycine, which is neutral and non-polar, at codon 228 of the SPG7 protein (p.Ala228Gly). This variant is present in population databases (rs757998476, gnomAD 0.004%). This variant has not been reported in the literature in individuals affected with SPG7-related conditions. Invitae Evidence Modeling of protein sequence and biophysical properties (such as structural, functional, and spatial information, amino acid conservation, physicochemical variation, residue mobility, and thermodynamic stability) indicates that this missense variant is not expected to disrupt SPG7 protein function with a negative predictive value of 80%. In summary, the available evidence is currently insufficient to determine the role of this variant in disease. Therefore, it has been classified as a Variant of Uncertain Significance.

NM_003119.4(SPG7):c.683C>G (p.Ala228Gly)

Gene: SPG7 (SPG7 matrix AAA peptidase subunit, paraplegin; plus strand). Cytogenetic location: 16q24.3.
Variant type: single nucleotide variant.
Coding change: c.683C>G on transcript NM_003119.4 (MANE Select); coding-DNA position 683, C replaced by G.
Protein change: p.Ala228Gly; replaces alanine 228 with glycine.
Molecular consequence: missense variant.
Genome position (GRCh38, 1-based): chr16:89,526,393, C>G. VCF-style: chr16-89526393-C-G. GRCh37 (hg19) VCF-style: chr16-89592801-C-G.
Other names: c.683C>G, p.Ala228Gly (NM_001363850.1, NM_199367.3); short protein forms A228G.
Identifiers: ClinVar variation 3706365 (VCV003706365.2).